The following is an entry in ClinVar:

ClinVar aggregate classification (germline): Uncertain significance (1 of 4 stars; one submission).

Submission:

Labcorp Genetics (formerly Invitae), Labcorp
Classification: Uncertain significance. Last evaluated: 2026-02-02. Review status: criteria provided, single submitter. Criteria: Invitae Variant Classification Sherloc (09022015). Collection method: clinical testing. Allele origin: germline.
Comment: This sequence change creates a premature translational stop signal (p.Phe529Valfs*115) in the GRIN2D gene. It is expected to result in an absent or disrupted protein product. However, the current clinical and genetic evidence is not sufficient to establish whether loss-of-function variants in GRIN2D cause disease. This variant is not present in population databases (gnomAD no frequency). This variant has not been reported in the literature in individuals affected with GRIN2D-related conditions. ClinVar contains an entry for this variant (Variation ID: 2088145). In summary, the available evidence is currently insufficient to determine the role of this variant in disease. Therefore, it has been classified as a Variant of Uncertain Significance.

NM_000836.4(GRIN2D):c.1584dup (p.Phe529fs)

Gene: GRIN2D (glutamate ionotropic receptor NMDA type subunit 2D; plus strand). Cytogenetic location: 19q13.33.
Variant type: Duplication.
Coding change: c.1584dup on transcript NM_000836.4 (MANE Select); coding-DNA position 1584, one base duplicated (G; older notation c.1584dupG).
Protein change: p.Phe529fs; shifts the reading frame from phenylalanine 529.
Molecular consequence: frameshift variant.
Genome position (GRCh38, 1-based): chr19:48,416,004, G duplicated. VCF-style (leftmost placement, unchanged base first): chr19-48416003-T-TG. GRCh37 (hg19) VCF-style: chr19-48919260-T-TG.
Other names: short protein forms F529fs.
Identifiers: ClinVar variation 2088145 (VCV002088145.4), dbSNP rs2513672781, ClinGen allele CA2580097635.
Genomic context (GRCh38, chr19:48,416,003, plus strand): 5'-TGTCAGTCTGTCCGCTTGAGCCGGGTTCCCCCGCCCACTCCTCATCGCCCCCACCCCAGG[T>TG]GTTCTACCAGCGCGCAGACATGGCCATCGGCTCCCTCACCATCAACGAGGAGCGCTCCGA-3'